The following is an entry in ClinVar:

ClinVar aggregate classification (germline): Uncertain significance (1 of 4 stars; one submission).

Conditions:
CACNA1D-related disorder.

gnomAD v4.1: 4 of 1,613,986 alleles (0.00025%); highest among the groups gnomAD compares: Non-Finnish European, 0.00034%; no homozygotes.

Submission:

PreventionGenetics, part of Exact Sciences
Classification: Uncertain significance for CACNA1D-related condition. Last evaluated: 2025-09-30. Review status: criteria provided, single submitter. Criteria: ACMG Guidelines, 2015. Collection method: clinical testing. Allele origin: germline.
Comment: The CACNA1D c.6005C>T variant is predicted to result in the amino acid substitution p.Ala2002Val. To our knowledge, this variant has not been reported in the literature or in a large population database (gnomAD), indicating this variant is rare. At this time, the clinical significance of this variant is uncertain due to the absence of conclusive functional and genetic evidence.

NM_001128840.3(CACNA1D):c.5945C>T (p.Ala1982Val)

Gene: CACNA1D (calcium voltage-gated channel subunit alpha1 D; plus strand). Cytogenetic location: 3p21.1.
Variant type: single nucleotide variant.
Coding change: c.5945C>T on transcript NM_001128840.3 (MANE Select); coding-DNA position 5945, C replaced by T.
Protein change: p.Ala1982Val; replaces alanine 1982 with valine.
Molecular consequence: missense variant.
Genome position (GRCh38, 1-based): chr3:53,810,051, C>T. VCF-style: chr3-53810051-C-T. GRCh37 (hg19) VCF-style: chr3-53844078-C-T.
Other names: c.6005C>T, p.Ala2002Val (NM_000720.4); c.5873C>T, p.Ala1958Val (NM_001128839.3); short protein forms A2002V, A1958V, A1982V.
Identifiers: ClinVar variation 4992902 (VCV004992902.1).